The following is an entry in ClinVar:

ClinVar aggregate classification (germline): Conflicting classifications of pathogenicity. Review status: criteria provided, conflicting classifications (1 of 4 stars). 3 submissions from 3 submitters: Uncertain significance (1); Likely benign (2). Last evaluated 2024-02-22.

Conditions:
Pyridoxine-dependent epilepsy (EPEO4). Also called: Pyridoxine-Dependent Epilepsy - ALDH7A1; EPILEPSY, EARLY-ONSET, 4, VITAMIN B6-DEPENDENT; PYRIDOXINE DEPENDENCY WITH SEIZURES; Pyridoxine-Dependent Seizures. Identifiers: Orphanet 3006, MedGen C1849508, MONDO:0009945, OMIM 266100. Disease mechanism: loss of function.

Allele frequency attached by ClinVar (database versions not stated): gnomAD exomes 0.00003 and 0.00001.
gnomAD v4.1: 36 of 1,614,046 alleles (0.0022%); highest among the groups gnomAD compares: Non-Finnish European, 0.0031%; no homozygotes.

Submissions (3):

Labcorp Genetics (formerly Invitae), Labcorp
Classification: Likely benign for Pyridoxine-dependent epilepsy. Last evaluated: 2024-02-22. Review status: criteria provided, single submitter. Criteria: Invitae Variant Classification Sherloc (09022015). Collection method: clinical testing. Allele origin: germline.

GeneDx
Classification: Likely benign. Last evaluated: 2018-05-08. Review status: criteria provided, single submitter. Criteria: GeneDx Variant Classification (06012015). Collection method: clinical testing. Allele origin: germline. Affected: yes.
Comment: This variant is considered likely benign or benign based on one or more of the following criteria: it is a conservative change, it occurs at a poorly conserved position in the protein, it is predicted to be benign by multiple in silico algorithms, and/or has population frequency not consistent with disease.

Eurofins Ntd Llc (ga)
Classification: Uncertain significance. Last evaluated: 2018-01-16. Review status: criteria provided, single submitter. Criteria: EGL Classification Definitions 2015. Collection method: clinical testing. Allele origin: germline. Observed: 1 variant allele, 1 heterozygote.

NM_001182.5(ALDH7A1):c.1176T>C (p.Gly392=)

Gene: ALDH7A1 (aldehyde dehydrogenase 7 family member A1; minus strand). Cytogenetic location: 5q23.2.
Variant type: single nucleotide variant.
Coding change: c.1176T>C on transcript NM_001182.5 (MANE Select); coding-DNA position 1176, T replaced by C.
Protein change: p.Gly392=; no amino-acid change (glycine 392 retained).
Molecular consequence: synonymous variant. On other transcripts: intron variant (1).
Genome position (GRCh38, 1-based): chr5:126,554,311, A>G on the plus strand (T>C on the coding strand, the complement: ALDH7A1 is on the minus strand). VCF-style: chr5-126554311-A-G. GRCh37 (hg19) VCF-style: chr5-125890003-A-G.
Other names: c.1092T>C, p.Gly364= (NM_001201377.2); c.1009-2174T>C (NM_001202404.2).
Identifiers: ClinVar variation 595590 (VCV000595590.11), dbSNP rs935431600, ClinGen allele CA126887568.